The following is an entry in ClinVar:

ClinVar aggregate classification (germline): Benign/Likely benign. Review status: criteria provided, multiple submitters, no conflicts (2 of 4 stars). 8 submissions from 8 submitters: Benign (6); Likely benign (2). Last evaluated 2026-02-04.

Conditions:
LAMA2-related muscular dystrophy (LAMA2-RD). Also called: Laminin alpha 2-related dystrophy. Identifiers: MedGen C5679788, MONDO:0100228.
Congenital muscular dystrophy due to partial LAMA2 deficiency. Identifiers: MedGen C1842898.

Allele frequency attached by ClinVar (database versions not stated): TOPMed 0.04520; ESP Exome Variant Server 0.04583; 1000 Genomes Project 0.04633; 1000 Genomes Project 30x 0.04809.
gnomAD v4.1: 13,736 of 1,613,110 alleles (0.85%); highest among the groups gnomAD compares: African/African-American, 14%; 749 homozygotes.

Submissions (8):

Labcorp Genetics (formerly Invitae), Labcorp
Classification: Benign for LAMA2-related muscular dystrophy. Last evaluated: 2026-02-04. Review status: criteria provided, single submitter. Criteria: Invitae Variant Classification Sherloc (09022015). Collection method: clinical testing. Allele origin: germline.

Mayo Clinic Laboratories, Mayo Clinic
Classification: Benign. Last evaluated: 2018-05-08. Review status: criteria provided, single submitter. Criteria: ACMG Guidelines, 2015. Collection method: clinical testing. Allele origin: germline. Observed: 73 variant alleles.

Illumina Laboratory Services, Illumina
Classification: Benign for Congenital muscular dystrophy due to partial LAMA2 deficiency. Last evaluated: 2018-01-13. Review status: criteria provided, single submitter. Criteria: ICSL Variant Classification Criteria 13 December 2019. Collection method: clinical testing. Allele origin: germline.
Comment: This variant was observed in the ICSL laboratory as part of a predisposition screen in an ostensibly healthy population. It had not been previously curated by ICSL or reported in the Human Gene Mutation Database (HGMD: prior to June 1st, 2018), and was therefore a candidate for classification through an automated scoring system. Utilizing variant allele frequency, disease prevalence and penetrance estimates, and inheritance mode, an automated score was calculated to assess if this variant is too frequent to cause the disease. Based on the score and internal cut-off values, a variant classified as benign is not then subjected to further curation. The score for this variant resulted in a classification of benign for this disease.

GeneDx
Classification: Benign. Last evaluated: 2016-05-18. Review status: criteria provided, single submitter. Criteria: GeneDx Variant Classification (06012015). Collection method: clinical testing. Allele origin: germline. Affected: yes.
Comment: This variant is considered likely benign or benign based on one or more of the following criteria: it is a conservative change, it occurs at a poorly conserved position in the protein, it is predicted to be benign by multiple in silico algorithms, and/or has population frequency not consistent with disease.

Genetic Services Laboratory, University of Chicago
Classification: Benign for AllHighlyPenetrant. Last evaluated: 2013-08-15. Review status: criteria provided, single submitter. Criteria: ACMG Guidelines, 2007. Collection method: clinical testing. Allele origin: germline. Inheritance: Autosomal recessive inheritance.

Eurofins Ntd Llc (ga)
Classification: Benign. Last evaluated: 2012-07-18. Review status: criteria provided, single submitter. Criteria: EGL Classification Definitions 2015. Collection method: clinical testing. Allele origin: germline. Observed: 3 variant alleles, 3 heterozygotes.

Breakthrough Genomics
Classification: Likely benign. Review status: criteria provided, single submitter. Criteria: ACMG Guidelines, 2015. Collection method: not provided. Allele origin: germline. Inheritance: Autosomal recessive inheritance. Affected: yes.

PreventionGenetics, part of Exact Sciences
Classification: Likely benign. Review status: criteria provided, single submitter. Criteria: ACMG Guidelines, 2015. Collection method: clinical testing. Allele origin: germline.

NM_000426.4(LAMA2):c.2756G>T (p.Arg919Leu)

Gene: LAMA2 (laminin subunit alpha 2; plus strand). Cytogenetic location: 6q22.33.
Variant type: single nucleotide variant.
Coding change: c.2756G>T on transcript NM_000426.4 (MANE Select); coding-DNA position 2756, G replaced by T.
Protein change: p.Arg919Leu; replaces arginine 919 with leucine.
Molecular consequence: missense variant.
Genome position (GRCh38, 1-based): chr6:129,291,620, G>T. VCF-style: chr6-129291620-G-T. GRCh37 (hg19) VCF-style: chr6-129612765-G-T.
Other names: c.2756G>T, p.Arg919Leu (NM_001079823.2); short protein forms R919L.
Identifiers: ClinVar variation 92948 (VCV000092948.25), dbSNP rs35277491, ClinGen allele CA146108.